The following is an entry in ClinVar:

NM_003051.4(SLC16A1):c.1345G>A (p.Ala449Thr)

Gene: SLC16A1 (solute carrier family 16 member 1; minus strand). Cytogenetic location: 1p13.2.
Variant type: single nucleotide variant.
Coding change: c.1345G>A on transcript NM_003051.4 (MANE Select); coding-DNA position 1345, G replaced by A.
Protein change: p.Ala449Thr; replaces alanine 449 with threonine.
Molecular consequence: missense variant.
Genome position (GRCh38, 1-based): chr1:112,914,049, C>T on the plus strand (G>A on the coding strand, the complement: SLC16A1 is on the minus strand). VCF-style: chr1-112914049-C-T. GRCh37 (hg19) VCF-style: chr1-113456671-C-T.
Other names: c.1345G>A, p.Ala449Thr (NM_001166496.2); short protein forms A449T.
Identifiers: ClinVar variation 291853 (VCV000291853.9), dbSNP rs756006376, ClinGen allele CA1011257.

ClinVar aggregate classification (germline): Uncertain significance. Review status: criteria provided, multiple submitters, no conflicts (2 of 4 stars). 2 submissions from 2 submitters: Uncertain significance (2). Last evaluated 2025-12-30.

Conditions:
Exercise-induced hyperinsulinism (HHF7). Identifiers: Orphanet 165991, MedGen C1864902, MONDO:0012396, OMIM 610021.

Allele frequency attached by ClinVar (database versions not stated): gnomAD 0.00001; gnomAD exomes 0.00003 and 0.00004; ExAC 0.00004.
gnomAD v4.1: 42 of 1,613,996 alleles (0.0026%); highest among the groups gnomAD compares: Non-Finnish European, 0.0032%; no homozygotes.

Submissions (2):

Labcorp Genetics (formerly Invitae), Labcorp
Classification: Uncertain significance. Last evaluated: 2025-12-30. Review status: criteria provided, single submitter. Criteria: Invitae Variant Classification Sherloc (09022015). Collection method: clinical testing. Allele origin: germline.
Comment: This sequence change replaces alanine, which is neutral and non-polar, with threonine, which is neutral and polar, at codon 449 of the SLC16A1 protein (p.Ala449Thr). This variant is present in population databases (rs756006376, gnomAD 0.007%). This variant has not been reported in the literature in individuals affected with SLC16A1-related conditions. ClinVar contains an entry for this variant (Variation ID: 291853). An algorithm developed to predict the effect of missense changes on protein structure and function outputs the following: PolyPhen-2: "Possibly Damaging". The threonine amino acid residue is found in multiple mammalian species, which suggests that this missense change does not adversely affect protein function. In summary, the available evidence is currently insufficient to determine the role of this variant in disease. Therefore, it has been classified as a Variant of Uncertain Significance.

Illumina Laboratory Services, Illumina
Classification: Uncertain significance for Exercise-induced hyperinsulinism. Last evaluated: 2018-01-12. Review status: criteria provided, single submitter. Criteria: ICSL Variant Classification Criteria 13 December 2019. Collection method: clinical testing. Allele origin: germline.